The following is an entry in ClinVar:

NM_002497.4(NEK2):c.1214C>T (p.Thr405Ile)

Gene: NEK2 (NIMA related kinase 2; minus strand). Cytogenetic location: 1q32.3.
Variant type: single nucleotide variant.
Coding change: c.1214C>T on transcript NM_002497.4 (MANE Select); coding-DNA position 1214, C replaced by T.
Protein change: p.Thr405Ile; replaces threonine 405 with isoleucine.
Molecular consequence: missense variant. On other transcripts: intron variant (1).
Genome position (GRCh38, 1-based): chr1:211,663,550, G>A on the plus strand (C>T on the coding strand, the complement: NEK2 is on the minus strand). VCF-style: chr1-211663550-G-A. GRCh37 (hg19) VCF-style: chr1-211836892-G-A.
Other names: c.1111+3556C>T (NM_001204182.2); short protein forms T405I.
Identifiers: ClinVar variation 2796496 (VCV002796496.3), dbSNP rs759605651, ClinGen allele CA1381479.

ClinVar aggregate classification (germline): Uncertain significance (1 of 4 stars; one submission).

Allele frequency attached by ClinVar (database versions not stated): TOPMed below 0.00001; gnomAD exomes 0.00001; ExAC 0.00002.
gnomAD v4.1: 5 of 1,613,928 alleles (0.00031%); highest among the groups gnomAD compares: Admixed American, 0.0067%; no homozygotes.

Submission:

Labcorp Genetics (formerly Invitae), Labcorp
Classification: Uncertain significance. Last evaluated: 2023-08-30. Review status: criteria provided, single submitter. Criteria: Invitae Variant Classification Sherloc (09022015). Collection method: clinical testing. Allele origin: germline.
Comment: In summary, the available evidence is currently insufficient to determine the role of this variant in disease. Therefore, it has been classified as a Variant of Uncertain Significance. An algorithm developed to predict the effect of missense changes on protein structure and function (PolyPhen-2) suggests that this variant is likely to be tolerated. This variant has not been reported in the literature in individuals affected with NEK2-related conditions. This variant is present in population databases (rs759605651, gnomAD 0.009%). This sequence change replaces threonine, which is neutral and polar, with isoleucine, which is neutral and non-polar, at codon 405 of the NEK2 protein (p.Thr405Ile).